The following is an entry in ClinVar:

NC_000009.11:g.(?_13183397)_(13190318_?)dup

Gene: MPDZ (multiple PDZ domain crumbs cell polarity complex component; minus strand). Cytogenetic location: 9p23.
Variant type: Duplication.
Identifiers: ClinVar variation 1410868 (VCV001410868.3).

ClinVar aggregate classification (germline): Uncertain significance (1 of 4 stars; one submission).

Submission:

Labcorp Genetics (formerly Invitae), Labcorp
Classification: Uncertain significance. Last evaluated: 2020-12-09. Review status: criteria provided, single submitter. Criteria: Invitae Variant Classification Sherloc (09022015). Collection method: clinical testing. Allele origin: germline.
Comment: This variant results in a copy number gain of the genomic region encompassing exon(s) 16-19 of the MPDZ gene. While the exact position of this variant cannot be determined from the data, sub-genic copy number gains are generally in tandem (PMID: 25640679). This variant is predicted to be in-frame, and likely preserves the integrity of the reading frame. This variant has not been reported in the literature in individuals with MPDZ-related conditions. Experimental studies and prediction algorithms are not available or were not evaluated, and the functional significance of this variant is currently unknown. In summary, the available evidence is currently insufficient to determine the role of this variant in disease. Therefore, it has been classified as a Variant of Uncertain Significance.

Literature cited by the submitters: PubMed 25640679.